The following is an entry in ClinVar:

NM_001042492.3(NF1):c.*871A>T

Gene: NF1 (neurofibromin 1; plus strand). Cytogenetic location: 17q11.2.
Variant type: single nucleotide variant.
Coding change: c.*871A>T on transcript NM_001042492.3 (MANE Select); 871 bases downstream of the stop codon, A replaced by T.
Molecular consequence: 3 prime UTR variant.
Genome position (GRCh38, 1-based): chr17:31,375,026, A>T. VCF-style: chr17-31375026-A-T. GRCh37 (hg19) VCF-style: chr17-29702044-A-T.
Other names: c.*871A>T (NM_000267.4).
Identifiers: ClinVar variation 322585 (VCV000322585.29), dbSNP rs568276164, ClinGen allele CA10649001.

ClinVar aggregate classification (germline): Benign. Review status: criteria provided, multiple submitters, no conflicts (2 of 4 stars). 5 submissions from 2 submitters: Benign (5). Last evaluated 2022-06-01.

Conditions:
Neurofibromatosis, familial spinal (FSNF). Identifiers: Orphanet 636, MedGen C1834235, MONDO:0008078, OMIM 162210. Disease mechanism: loss of function.
Neurofibromatosis-Noonan syndrome (NFNS). Also called: NEUROFIBROMATOSIS WITH NOONAN PHENOTYPE. Identifiers: Orphanet 638, MedGen C2931482, MONDO:0011035, OMIM 601321. Disease mechanism: loss of function.
Neurofibromatosis, type 1 (NF1). Also called: Neurofibromatosis, type I; VON RECKLINGHAUSEN DISEASE; Peripheral type neurofibromatosis; NEUROFIBROMATOSIS, TYPE I, SOMATIC. Identifiers: Orphanet 636, MedGen C0027831, MONDO:0018975, OMIM 162200. Disease mechanism: loss of function.
Café-au-lait macules with pulmonary stenosis (WTSN). Also called: PULMONIC STENOSIS WITH CAFE-AU-LAIT SPOTS. Identifiers: MedGen C0553586, MONDO:0008672, OMIM 193520.

Allele frequency attached by ClinVar (database versions not stated): gnomAD exomes 0.00017; gnomAD 0.00028 and 0.00030; 1000 Genomes Project 0.00679.
gnomAD v4.1: 51 of 197,550 alleles (0.026%); highest among the groups gnomAD compares: South Asian, 0.076%; no homozygotes.

Submissions (5):

CeGaT Center for Human Genetics Tuebingen
Classification: Benign. Last evaluated: 2022-06-01. Review status: criteria provided, single submitter. Criteria: CeGaT Center For Human Genetics Tuebingen Variant Classification Criteria Version 2. Collection method: clinical testing. Allele origin: germline. Affected: yes. Observed: 1 variant allele.
Comment: NF1: BS1, BS2

Illumina Laboratory Services, Illumina
Classification: Benign for Café-au-lait macules with pulmonary stenosis. Last evaluated: 2018-01-13. Review status: criteria provided, single submitter. Criteria: ICSL Variant Classification Criteria 13 December 2019. Collection method: clinical testing. Allele origin: germline.
Comment: This variant was observed in the ICSL laboratory as part of a predisposition screen in an ostensibly healthy population. It had not been previously curated by ICSL or reported in the Human Gene Mutation Database (HGMD: prior to June 1st, 2018), and was therefore a candidate for classification through an automated scoring system. Utilizing variant allele frequency, disease prevalence and penetrance estimates, and inheritance mode, an automated score was calculated to assess if this variant is too frequent to cause the disease. Based on the score and internal cut-off values, a variant classified as benign is not then subjected to further curation. The score for this variant resulted in a classification of benign for this disease.

Illumina Laboratory Services, Illumina
Classification: Benign for Neurofibromatosis, type 1. Last evaluated: 2018-01-13. Review status: criteria provided, single submitter. Criteria: ICSL Variant Classification Criteria 13 December 2019. Collection method: clinical testing. Allele origin: germline.
Comment: the same text as in the submission from Illumina Laboratory Services, Illumina above.

Illumina Laboratory Services, Illumina
Classification: Benign for Neurofibromatosis-Noonan syndrome. Last evaluated: 2018-01-13. Review status: criteria provided, single submitter. Criteria: ICSL Variant Classification Criteria 13 December 2019. Collection method: clinical testing. Allele origin: germline.
Comment: the same text as in the submission from Illumina Laboratory Services, Illumina above.

Illumina Laboratory Services, Illumina
Classification: Benign for Neurofibromatosis, familial spinal. Last evaluated: 2018-01-13. Review status: criteria provided, single submitter. Criteria: ICSL Variant Classification Criteria 13 December 2019. Collection method: clinical testing. Allele origin: germline.
Comment: the same text as in the submission from Illumina Laboratory Services, Illumina above.